The following is an entry in ClinVar:

NM_000720.4(CACNA1D):c.1538+2T>C

Gene: CACNA1D (calcium voltage-gated channel subunit alpha1 D; plus strand). Cytogenetic location: 3p21.1.
Variant type: single nucleotide variant.
Coding change: c.1538+2T>C on transcript NM_000720.4 (MANE Plus Clinical); the canonical splice donor site of the intron after coding-DNA position 1538, T replaced by C.
Molecular consequence: splice donor variant. On other transcripts: intron variant (2).
Genome position (GRCh38, 1-based): chr3:53,718,743, T>C. VCF-style: chr3-53718743-T-C. GRCh37 (hg19) VCF-style: chr3-53752770-T-C.
Other names: c.1478+355T>C (NM_001128840.3, NM_001128839.3).
Identifiers: ClinVar variation 3360274 (VCV003360274.1).

ClinVar aggregate classification (germline): Uncertain significance (1 of 4 stars; one submission).

gnomAD v4.1: 1 of 1,550,454 alleles (0.000064%); no homozygotes.

Submission:

GeneDx
Classification: Uncertain significance. Last evaluated: 2023-06-21. Review status: criteria provided, single submitter. Criteria: GeneDx Variant Classification Process June 2021. Collection method: clinical testing. Allele origin: germline. Affected: yes.
Comment: Has not been previously published as pathogenic or benign to our knowledge; Canonical splice site variant in a gene or region of a gene for which loss of function is not a known mechanism of disease; Not observed at significant frequency in large population cohorts (gnomAD)